The following is an entry in ClinVar:

NM_020829.4(RIC1):c.115_116insTGCTGCCG (p.Ala39fs)

Genes: INCR1 (interferon stimulated noncoding RNA 1; minus strand), RIC1 (RIC1 partner of RAB6A GEF complex; plus strand). Cytogenetic location: 9p24.1.
Variant type: Insertion.
Coding change: c.115_116insTGCTGCCG on transcript NM_020829.4 (MANE Select); coding-DNA positions 115 to 116, TGCTGCCG inserted.
Protein change: p.Ala39fs; shifts the reading frame from alanine 39.
Molecular consequence: frameshift variant.
Genome position: GRCh38 VCF-style: chr9-5629420-G-GGCCGTGCT. GRCh37 (hg19) VCF-style: chr9-5629420-G-GGCCGTGCT.
Other names: c.115_116insTGCTGCCG, p.Ala39fs (NM_001135920.4, NM_001206557.2); short protein forms A39fs.
Identifiers: ClinVar variation 3768063 (VCV003768063.1).

ClinVar aggregate classification (germline): Uncertain significance (1 of 4 stars; one submission).

Submission:

Women's Health and Genetics/Laboratory Corporation of America, LabCorp
Classification: Uncertain significance. Last evaluated: 2024-12-13. Review status: criteria provided, single submitter. Criteria: LabCorp Variant Classification Summary - May 2015. Collection method: clinical testing. Allele origin: germline.
Comment: Variant summary: RIC1 c.115_116insTGCTGCCG (p.Ala39ValfsX17) results in a premature termination codon, predicted to cause absence of the protein due to nonsense mediated decay, however current evidence is not sufficient to establish loss of function as a mechanism for disease. The variant allele was found at a frequency of 1.5e-05 in 131976 control chromosomes. The available data on variant occurrences in the general population are insufficient to allow any conclusion about variant significance. To our knowledge, no occurrence of c.115_116insTGCTGCCG in individuals affected with Catifa Syndrome and no experimental evidence demonstrating its impact on protein function have been reported. No submitters have cited clinical-significance assessments for this variant to ClinVar. Based on the evidence outlined above, the variant was classified as uncertain significance.